The following is an entry in ClinVar:

ClinVar aggregate classification (germline): Uncertain significance. Review status: criteria provided, multiple submitters, no conflicts (2 of 4 stars). 2 submissions from 2 submitters: Uncertain significance (2). Last evaluated 2026-03-23.

Conditions:
Kleefstra syndrome 2 (KLEFS2). Identifiers: MedGen C4540395, MONDO:0054701, OMIM 617768.

Submissions (2):

MVZ Martinsried, Medicover Genetics
Classification: Uncertain significance for Kleefstra syndrome 2. Last evaluated: 2026-03-23. Review status: criteria provided, single submitter. Criteria: ClinGen Variant Curation SOP V3.2 + Classification Guidance July2025. Collection method: clinical testing. Allele origin: unknown. Affected: yes. Observed: 1 heterozygote.

Women's Health and Genetics/Laboratory Corporation of America, LabCorp
Classification: Uncertain significance. Last evaluated: 2025-03-17. Review status: criteria provided, single submitter. Criteria: LabCorp Variant Classification Summary - May 2015. Collection method: clinical testing. Allele origin: germline.
Comment: Variant summary: KMT2C c.7310C>G (p.Pro2437Arg) results in a non-conservative amino acid change in the encoded protein sequence. Five of five in-silico tools predict a damaging effect of the variant on protein function. The variant was absent in 251422 control chromosomes. The available data on variant occurrences in the general population are insufficient to allow any conclusion about variant significance. To our knowledge, no occurrence of c.7310C>G in individuals affected with Kleefstra Syndrome 2 and no experimental evidence demonstrating its impact on protein function have been reported. No submitters have cited clinical-significance assessments for this variant to ClinVar. Based on the evidence outlined above, the variant was classified as uncertain significance.

NM_170606.3(KMT2C):c.7310C>G (p.Pro2437Arg)

Gene: KMT2C (lysine methyltransferase 2C; minus strand). Cytogenetic location: 7q36.1.
Variant type: single nucleotide variant.
Coding change: c.7310C>G on transcript NM_170606.3 (MANE Select); coding-DNA position 7310, C replaced by G.
Protein change: p.Pro2437Arg; replaces proline 2437 with arginine.
Molecular consequence: missense variant.
Genome position (GRCh38, 1-based): chr7:152,179,966, G>C on the plus strand (C>G on the coding strand, the complement: KMT2C is on the minus strand). VCF-style: chr7-152179966-G-C. GRCh37 (hg19) VCF-style: chr7-151877051-G-C.
Other names: short protein forms P2437R.
Identifiers: ClinVar variation 3895622 (VCV003895622.2).